The following is an entry in ClinVar:

NM_017433.5(MYO3A):c.1563-88A>G

Gene: MYO3A (myosin IIIA; plus strand). Cytogenetic location: 10p12.1.
Variant type: single nucleotide variant.
Coding change: c.1563-88A>G on transcript NM_017433.5 (MANE Select); 88 bases into the intron before coding-DNA position 1563, A replaced by G.
Molecular consequence: intron variant.
Genome position (GRCh38, 1-based): chr10:26,096,293, A>G. VCF-style: chr10-26096293-A-G. GRCh37 (hg19) VCF-style: chr10-26385222-A-G.
Identifiers: ClinVar variation 682795 (VCV000682795.2), dbSNP rs76771391, ClinGen allele CA15645453.

ClinVar aggregate classification (germline): Benign. Review status: criteria provided, multiple submitters, no conflicts (2 of 4 stars). 2 submissions from 2 submitters: Benign (2). Last evaluated 2018-06-13.

Allele frequency attached by ClinVar (database versions not stated): 1000 Genomes Project 0.03295; 1000 Genomes Project 30x 0.03498; TOPMed 0.06060; gnomAD 0.06115 and 0.06210; gnomAD exomes 0.07749.
gnomAD v4.1: 73,127 of 977,012 alleles (7.5%); highest among the groups gnomAD compares: Non-Finnish European, 9%; 3,293 homozygotes.

Submissions (2):

GeneDx
Classification: Benign. Last evaluated: 2018-06-13. Review status: criteria provided, single submitter. Criteria: GeneDx Variant Classification (06012015). Collection method: clinical testing. Allele origin: germline. Affected: yes.
Comment: This variant is considered likely benign or benign based on one or more of the following criteria: it is a conservative change, it occurs at a poorly conserved position in the protein, it is predicted to be benign by multiple in silico algorithms, and/or has population frequency not consistent with disease.

Breakthrough Genomics
Classification: Benign. Review status: criteria provided, single submitter. Criteria: ACMG Guidelines, 2015. Collection method: not provided. Allele origin: germline. Inheritance: Autosomal recessive inheritance. Affected: yes.